The following is an entry in ClinVar:

NM_032730.5(RTN4IP1):c.92G>C (p.Arg31Thr)

Gene: RTN4IP1 (reticulon 4 interacting protein 1; minus strand). Cytogenetic location: 6q21.
Variant type: single nucleotide variant.
Coding change: c.92G>C on transcript NM_032730.5 (MANE Select); coding-DNA position 92, G replaced by C.
Protein change: p.Arg31Thr; replaces arginine 31 with threonine.
Molecular consequence: missense variant. On other transcripts: intron variant (1).
Genome position (GRCh38, 1-based): chr6:106,628,930, C>G on the plus strand (G>C on the coding strand, the complement: RTN4IP1 is on the minus strand). VCF-style: chr6-106628930-C-G. GRCh37 (hg19) VCF-style: chr6-107076805-C-G.
Other names: c.-27+1397G>C (NM_001318746.1); short protein forms R31T.
Identifiers: ClinVar variation 1030053 (VCV001030053.1), dbSNP rs1327054264, ClinGen allele CA365169138.

ClinVar aggregate classification (germline): Uncertain significance (1 of 4 stars; one submission).

Conditions:
Optic atrophy 10 with or without ataxia, impaired intellectual development, and seizures. Also called: Optic atrophy 10 with or without ataxia, intellectual disability, and seizures; OPTIC ATROPHY 10 WITH OR WITHOUT ATAXIA, MENTAL RETARDATION, AND SEIZURES. Identifiers: MedGen C4225227, MONDO:0020737, OMIM 616732.

Allele frequency attached by ClinVar (database versions not stated): gnomAD 0.00001; gnomAD exomes below 0.00001; TOPMed below 0.00001.
gnomAD v4.1: 3 of 1,613,976 alleles (0.00019%); highest among the groups gnomAD compares: Middle Eastern, 0.016%; no homozygotes.

Submission:

Baylor Genetics
Classification: Uncertain significance for Optic atrophy 10 with or without ataxia, impaired intellectual development, and seizures. Last evaluated: 2019-11-20. Review status: criteria provided, single submitter. Criteria: ACMG Guidelines, 2015. Collection method: clinical testing. Allele origin: unknown. Affected: yes.
Comment: This variant was determined to be of uncertain significance according to ACMG Guidelines, 2015 [PMID:25741868].